The following is an entry in ClinVar:

ClinVar aggregate classification (germline): Uncertain significance (1 of 4 stars; one submission).

Allele frequency attached by ClinVar (database versions not stated): gnomAD exomes below 0.00001.
gnomAD v4.1: 1 of 1,608,616 alleles (0.000062%); highest among the groups gnomAD compares: Non-Finnish European, 0.000085%; no homozygotes.

Submission:

Labcorp Genetics (formerly Invitae), Labcorp
Classification: Uncertain significance. Last evaluated: 2021-08-11. Review status: criteria provided, single submitter. Criteria: Invitae Variant Classification Sherloc (09022015). Collection method: clinical testing. Allele origin: germline.
Comment: In summary, the available evidence is currently insufficient to determine the role of this variant in disease. Therefore, it has been classified as a Variant of Uncertain Significance. Variants that disrupt the consensus splice site are a relatively common cause of aberrant splicing (PMID: 17576681, 9536098). Algorithms developed to predict the effect of sequence changes on RNA splicing suggest that this variant may create or strengthen a splice site. This variant has not been reported in the literature in individuals affected with STAT4-related conditions. This variant is not present in population databases (ExAC no frequency). This sequence change falls in intron 20 of the STAT4 gene. It does not directly change the encoded amino acid sequence of the STAT4 protein. It affects a nucleotide within the consensus splice site of the intron.

Literature cited by the submitters: PubMed 17576681; PubMed 9536098.

NM_003151.4(STAT4):c.1852+5A>G

Gene: STAT4 (signal transducer and activator of transcription 4; minus strand). Cytogenetic location: 2q32.2.
Variant type: single nucleotide variant.
Coding change: c.1852+5A>G on transcript NM_003151.4 (MANE Select); 5 bases into the intron after coding-DNA position 1852, A replaced by G.
Molecular consequence: intron variant.
Genome position (GRCh38, 1-based): chr2:191,033,485, T>C on the plus strand (A>G on the coding strand, the complement: STAT4 is on the minus strand). VCF-style: chr2-191033485-T-C. GRCh37 (hg19) VCF-style: chr2-191898211-T-C.
Other names: c.1852+5A>G (NM_001243835.2).
Identifiers: ClinVar variation 1502958 (VCV001502958.6), dbSNP rs2125141793, ClinGen allele CA2573134279.